The following is an entry in ClinVar:

ClinVar aggregate classification (germline): Uncertain significance. Review status: reviewed by expert panel (3 of 4 stars). 3 submissions from 3 submitters: Uncertain significance (1). 2 of the submissions do not count toward it. Last evaluated 2024-04-01.

Conditions:
Athabaskan severe combined immunodeficiency (SCIDA). Also called: Severe combined immunodeficiency, athabascan-type. Identifiers: MedGen C1865370.
Severe combined immunodeficiency due to DCLRE1C deficiency (RS-SCID). Also called: SCID, AUTOSOMAL RECESSIVE, T CELL-NEGATIVE, B CELL-NEGATIVE, NK CELL-POSITIVE, WITH SENSITIVITY TO IONIZING RADIATION. Identifiers: Orphanet 275, MedGen C1865371, MONDO:0011225, OMIM 602450.

Allele frequency attached by ClinVar (database versions not stated): ExAC 0.00001; gnomAD exomes below 0.00001.
gnomAD v4.1: 1 of 1,614,002 alleles (0.000062%); highest among the groups gnomAD compares: East Asian, 0.0022%; no homozygotes.

Submissions (3):

ClinGen Severe Combined Immunodeficiency Variant Curation Expert Panel, ClinGen
Classification: Uncertain significance for Severe combined immunodeficiency due to DCLRE1C deficiency. Last evaluated: 2024-04-01. Review status: reviewed by expert panel. Criteria: ClinGen SCID ACMG Specifications DCLRE1C V1.0.0. Collection method: curation. Allele origin: germline. Inheritance: Autosomal recessive inheritance.
Comment: The c.13G>C (NM_001033855.3) variant in DCLRE1C is a missense variant predicted to cause the substitution of Glutamic Acid by Glutamine at amino acid 5 (p.Glu5Gln). The highest population minor allele frequency in gnomAD v4 is 0.00002773 (1/36060 alleles) in the East Asian population, which is lower than the ClinGen SCID VCEP threshold (<0.00003266 ) for PM2_Supporting, meeting this criterion (PM2_Supporting). No homozygotes have been observed in gnomAD. To our knowledge, this variant has not been reported in the literature in individuals affected with DCLRE1C-related conditions or in functional studies. In summary, this variant is classified as a variant of uncertain significance for autosomal recessive severe combined immunodeficiency due to DCLRE1C deficiency based on ACMG/AMP criteria applied, as specified by the ClinGen SCID VCEP (specification version 1.0): PM2_Supporting.

Labcorp Genetics (formerly Invitae), Labcorp
Classification: Uncertain significance for Athabaskan severe combined immunodeficiency. Last evaluated: 2024-02-24. Review status: criteria provided, single submitter. Criteria: Invitae Variant Classification Sherloc (09022015). Collection method: clinical testing. Allele origin: germline. Not counted in ClinVar's aggregate classification.
Comment: This sequence change replaces glutamic acid, which is acidic and polar, with glutamine, which is neutral and polar, at codon 5 of the DCLRE1C protein (p.Glu5Gln). This variant is present in population databases (rs749686038, gnomAD 0.006%). This variant has not been reported in the literature in individuals affected with DCLRE1C-related conditions. ClinVar contains an entry for this variant (Variation ID: 860679). Algorithms developed to predict the effect of missense changes on protein structure and function output the following: SIFT: "Not Available"; PolyPhen-2: "Benign"; Align-GVGD: "Not Available". The glutamine amino acid residue is found in multiple mammalian species, which suggests that this missense change does not adversely affect protein function. In summary, the available evidence is currently insufficient to determine the role of this variant in disease. Therefore, it has been classified as a Variant of Uncertain Significance.

Natera, Inc.
Classification: Uncertain significance for Athabascan severe combined immunodeficiency. Last evaluated: 2020-09-22. Review status: no assertion criteria provided. Collection method: clinical testing. Allele origin: germline. Not counted in ClinVar's aggregate classification.

NM_001033855.3(DCLRE1C):c.13G>C (p.Glu5Gln)

Gene: DCLRE1C (DNA cross-link repair 1C; minus strand). Cytogenetic location: 10p13.
Variant type: single nucleotide variant.
Coding change: c.13G>C on transcript NM_001033855.3 (MANE Select); coding-DNA position 13, G replaced by C.
Protein change: p.Glu5Gln; replaces glutamic acid 5 with glutamine.
Molecular consequence: missense variant. On other transcripts: 5 prime UTR variant (9), non-coding transcript variant (4).
Genome position (GRCh38, 1-based): chr10:14,953,998, C>G on the plus strand (G>C on the coding strand, the complement: DCLRE1C is on the minus strand). VCF-style: chr10-14953998-C-G. GRCh37 (hg19) VCF-style: chr10-14995997-C-G.
Other names: NM_001033855.3(DCLRE1C):c.13G>C; p.Glu5Gln; c.-433G>C (NM_001033857.3, NM_001350967.2); c.-755G>C (NM_001033858.3); c.-192G>C (NM_001289076.2); c.-479G>C (NM_001289077.2); c.-225G>C (NM_001289078.2, NM_001350966.2); c.-801G>C (NM_001289079.2); and 2 more; short protein forms E5Q.
Identifiers: ClinVar variation 860679 (VCV000860679.10), dbSNP rs749686038, ClinGen allele CA5417048.